The following is an entry in ClinVar:

NM_000489.6(ATRX):c.3884A>G (p.Glu1295Gly)

Gene: ATRX (ATRX chromatin remodeler; minus strand). Cytogenetic location: Xq21.1.
Variant type: single nucleotide variant.
Coding change: c.3884A>G on transcript NM_000489.6 (MANE Select); coding-DNA position 3884, A replaced by G.
Protein change: p.Glu1295Gly; replaces glutamic acid 1295 with glycine.
Molecular consequence: missense variant.
Genome position (GRCh38, 1-based): chrX:77,664,704, T>C on the plus strand (A>G on the coding strand, the complement: ATRX is on the minus strand). VCF-style: chrX-77664704-T-C. GRCh37 (hg19) VCF-style: chrX-76920193-T-C.
Other names: c.3770A>G, p.Glu1257Gly (NM_138270.5); short protein forms E1257G, E1295G.
Identifiers: ClinVar variation 845759 (VCV000845759.7), dbSNP rs987127830, ClinGen allele CA331568146.
Genomic context (GRCh38, chrX:77,664,704, plus strand): 5'-CCCTCATCTCCTGGGTTTTCTTCATTTTGTTTTCCAGTTCTTTTTTTCCCTTCTTCTGGC[T>C]CATCATCTGAAGATCCATCCTCATCAGAGGAAAGATTGGCTTTAATTTCTTCTAAAAGCA-3'
Protein context (NP_000480.3, residues 1285-1305): SSDEDGSSDD[Glu1295Gly]PEEGKKRTGK

ClinVar aggregate classification (germline): Uncertain significance (1 of 4 stars; one submission).

Conditions:
Alpha thalassemia-X-linked intellectual disability syndrome (ATRX). Also called: ATR-X syndrome; Alpha thalassemia mental retardation syndrome, nondeletion type, X-linked; XLMR hypotonic face syndrome; ALPHA-THALASSEMIA/IMPAIRED INTELLECTUAL DEVELOPMENT SYNDROME, X-LINKED; ALPHA-THALASSEMIA/MENTAL RETARDATION SYNDROME, X-LINKED; ATR, NONDELETION TYPE. Identifiers: Orphanet 847, MedGen C1845055, MONDO:0010519, OMIM 301040.

Allele frequency attached by ClinVar (database versions not stated): TOPMed below 0.00001; gnomAD 0.00001; gnomAD exomes 0.00002.
gnomAD v4.1: 26 of 1,208,429 alleles (0.0022%); highest among the groups gnomAD compares: Non-Finnish European, 0.0029%; no homozygotes.

Submission:

Labcorp Genetics (formerly Invitae), Labcorp
Classification: Uncertain significance for Alpha thalassemia-X-linked intellectual disability syndrome. Last evaluated: 2026-01-11. Review status: criteria provided, single submitter. Criteria: Invitae Variant Classification Sherloc (09022015). Collection method: clinical testing. Allele origin: germline.
Comment: This sequence change replaces glutamic acid, which is acidic and polar, with glycine, which is neutral and non-polar, at codon 1295 of the ATRX protein (p.Glu1295Gly). This variant is not present in population databases (gnomAD no frequency). This variant has not been reported in the literature in individuals affected with ATRX-related conditions. ClinVar contains an entry for this variant (Variation ID: 845759). Invitae Evidence Modeling of protein sequence and biophysical properties (such as structural, functional, and spatial information, amino acid conservation, physicochemical variation, residue mobility, and thermodynamic stability) indicates that this missense variant is not expected to disrupt ATRX protein function with a negative predictive value of 95%. In summary, the available evidence is currently insufficient to determine the role of this variant in disease. Therefore, it has been classified as a Variant of Uncertain Significance.